The following is an entry in ClinVar:

ClinVar aggregate classification (germline): Uncertain significance (1 of 4 stars; one submission).

Conditions:
Hereditary hemochromatosis (HFE). Identifiers: MedGen C0392514, MONDO:0006507. Disease mechanism: loss of function.

Submission:

Labcorp Genetics (formerly Invitae), Labcorp
Classification: Uncertain significance for Hereditary hemochromatosis. Last evaluated: 2015-02-09. Review status: criteria provided, single submitter. Criteria: Invitae Variant Classification Sherloc (09022015). Collection method: clinical testing. Allele origin: germline.
Comment: This variant has not been published in the literature and is not present in population databases. This sequence change replaces cysteine with tyrosine at codon 73 of the HAMP protein (p.Cys73Tyr). The cysteine residue is highly conserved and there is a large physicochemical difference between cysteine and tyrosine. In summary, this is a novel missense change with uncertain impact on protein function. It has been classified as a Variant of Uncertain Significance. Algorithms developed to predict the effect of missense changes on protein structure and function do not agree on the potential impact of this missense change (SIFT: "deleterious"; PolyPhen-2: "Probably Damaging"; Align-GVGD: "Class C0").

NM_021175.4(HAMP):c.218G>A (p.Cys73Tyr)

Gene: HAMP (hepcidin antimicrobial peptide; plus strand). Cytogenetic location: 19q13.12.
Variant type: single nucleotide variant.
Coding change: c.218G>A on transcript NM_021175.4 (MANE Select); coding-DNA position 218, G replaced by A.
Protein change: p.Cys73Tyr; replaces cysteine 73 with tyrosine.
Molecular consequence: missense variant.
Genome position (GRCh38, 1-based): chr19:35,285,005, G>A. VCF-style: chr19-35285005-G-A. GRCh37 (hg19) VCF-style: chr19-35775908-G-A.
Other names: short protein forms C73Y.
Identifiers: ClinVar variation 216732 (VCV000216732.10), dbSNP rs863224779, ClinGen allele CA336010.